The following is an entry in ClinVar:

ClinVar aggregate classification (germline): Uncertain significance (1 of 4 stars; one submission).

Conditions:
Hereditary cancer-predisposing syndrome. Also called: Neoplastic Syndromes, Hereditary; Hereditary Cancer Syndrome; Tumor predisposition; Hereditary neoplastic syndrome. Identifiers: Orphanet 140162, MedGen C0027672, MeSH D009386, MONDO:0015356.

Submission:

Ambry Genetics
Classification: Uncertain significance for Hereditary cancer-predisposing syndrome. Last evaluated: 2025-01-28. Review status: criteria provided, single submitter. Criteria: Ambry Variant Classification Scheme 2023. Collection method: clinical testing. Allele origin: germline.
Comment: The c.2177_2185delGTGGCCTGC variant (also known as p.R726_L728del) is located in coding exon 14 of the SMARCA4 gene. This variant results from an in-frame GTGGCCTGC deletion at nucleotide positions 2177 to 2185. This results in the in-frame deletion of 3 amino acids at codons 726 to 728. This amino acid region is well conserved in available vertebrate species. In addition, the in silico prediction for this alteration is inconclusive (Choi Y et al. PLoS ONE. 2012; 7(10):e46688). Based on the available evidence, the clinical significance of this variant remains unclear.

NM_003072.5(SMARCA4):c.2177_2185del (p.Arg726_Leu728del)

Gene: SMARCA4 (SWI/SNF related BAF chromatin remodeling complex subunit ATPase 4; plus strand). Cytogenetic location: 19p13.2.
Variant type: Deletion.
Coding change: c.2177_2185del on transcript NM_003072.5 (MANE Select); coding-DNA positions 2177 to 2185, 9 bases deleted (GTGGCCTGC; older notation c.2177_2185delGTGGCCTGC).
Protein change: p.Arg726_Leu728del.
Molecular consequence: inframe deletion. On other transcripts: non-coding transcript variant (1).
Genome position (GRCh38, 1-based): chr19:11,010,434-11,010,442, GTGGCCTGC deleted; deleting any 9 consecutive bases within chr19:11,010,433-11,010,442 gives the same sequence; the c. name uses the placement nearest the transcript's 3' end. VCF-style (leftmost placement, unchanged base first): chr19-11010432-ACGTGGCCTG-A. GRCh37 (hg19) VCF-style: chr19-11121108-ACGTGGCCTG-A.
Other names: c.2177_2185del, p.Arg726_Leu728del (NM_001128844.3, NM_001128845.2, NM_001128846.2 and 6 more transcripts).
Identifiers: ClinVar variation 3798899 (VCV003798899.1).